The following is an entry in ClinVar:

ClinVar aggregate classification (germline): Benign. Review status: criteria provided, single submitter (1 of 4 stars). 2 submissions from 2 submitters: Benign (1). 1 of the submissions does not count toward it. Last evaluated 2025-04-23.

Conditions:
CREB3L1-related disorder. Also called: CREB3L1-related condition.

Allele frequency attached by ClinVar (database versions not stated): TOPMed 0.00006; gnomAD 0.00010; 1000 Genomes Project 30x 0.00016; ESP Exome Variant Server 0.00016; gnomAD exomes 0.00018; 1000 Genomes Project 0.00020; ExAC 0.00033.

Submissions (2):

Labcorp Genetics (formerly Invitae), Labcorp
Classification: Benign. Last evaluated: 2025-04-23. Review status: criteria provided, single submitter. Criteria: Invitae Variant Classification Sherloc (09022015). Collection method: clinical testing. Allele origin: germline.

PreventionGenetics, part of Exact Sciences
Classification: Likely benign for CREB3L1-related condition. Last evaluated: 2019-06-10. Review status: no assertion criteria provided. Collection method: clinical testing. Allele origin: germline. Not counted in ClinVar's aggregate classification.
Comment: This variant is classified as likely benign based on ACMG/AMP sequence variant interpretation guidelines (Richards et al. 2015 PMID: 25741868, with internal and published modifications).

NM_052854.4(CREB3L1):c.621G>A (p.Thr207=)

Gene: CREB3L1 (cAMP responsive element binding protein 3 like 1; plus strand). Cytogenetic location: 11p11.2.
Variant type: single nucleotide variant.
Coding change: c.621G>A on transcript NM_052854.4 (MANE Select); coding-DNA position 621, G replaced by A.
Protein change: p.Thr207=; no amino-acid change (threonine 207 retained).
Molecular consequence: synonymous variant.
Genome position (GRCh38, 1-based): chr11:46,311,057, G>A. VCF-style: chr11-46311057-G-A. GRCh37 (hg19) VCF-style: chr11-46332608-G-A.
Other names: c.621G>A (NM_052854.3).
Identifiers: ClinVar variation 2083014 (VCV002083014.6), dbSNP rs375485514, ClinGen allele CA5961644.